The following is an entry in ClinVar:

NM_006767.4(LZTR1):c.2216C>A (p.Ser739Ter)

Gene: LZTR1 (leucine zipper like post translational regulator 1; plus strand). Cytogenetic location: 22q11.21.
Variant type: single nucleotide variant.
Coding change: c.2216C>A on transcript NM_006767.4 (MANE Select); coding-DNA position 2216, C replaced by A.
Protein change: p.Ser739Ter; replaces serine 739 with a stop codon.
Molecular consequence: nonsense.
Genome position (GRCh38, 1-based): chr22:20,996,109, C>A. VCF-style: chr22-20996109-C-A. GRCh37 (hg19) VCF-style: chr22-21350398-C-A.
Other names: short protein forms S739*.
Identifiers: ClinVar variation 1787839 (VCV001787839.3), dbSNP rs762991620, ClinGen allele CA410780056.
Genomic context (GRCh38, chr22:20,996,109, plus strand): 5'-CCTTCGAGTCCATGCTGCGCTACATCTACTACGGCGAGGTCAACATGCCGCCCGAGGACT[C>A]GCTGCATCCTCACTCCCCAGTGAACTCCCAGGTCCCCACCAAGGGGTCCTGGCACCCACC-3'

ClinVar aggregate classification (germline): Pathogenic (1 of 4 stars; one submission).

Conditions:
Hereditary cancer-predisposing syndrome. Also called: Neoplastic Syndromes, Hereditary; Tumor predisposition; Hereditary Cancer Syndrome; Hereditary neoplastic syndrome. Identifiers: Orphanet 140162, MedGen C0027672, MeSH D009386, MONDO:0015356.
Cardiovascular phenotype. Identifiers: MedGen CN230736.

gnomAD v4.1: 1 of 1,611,982 alleles (0.000062%); highest among the groups gnomAD compares: East Asian, 0.0022%; no homozygotes.

Submission:

Ambry Genetics
Classification: Pathogenic for Cardiovascular phenotype; Hereditary cancer-predisposing syndrome. Last evaluated: 2025-04-11. Review status: criteria provided, single submitter. Criteria: Ambry Variant Classification Scheme 2023. Collection method: clinical testing. Allele origin: germline.
Comment: The p.S739* pathogenic mutation (also known as c.2216C>A), located in coding exon 18 of the LZTR1 gene, results from a C to A substitution at nucleotide position 2216. This changes the amino acid from a serine to a stop codon within coding exon 18. This alteration is expected to result in loss of function by premature protein truncation or nonsense-mediated mRNA decay. Loss-of-function variants in LZTR1 are related to an increased risk for schwannomas and autosomal recessive Noonan syndrome; however, such associations with autosomal dominant Noonan syndrome have not been observed (Piotrowski A et al. Nat Genet. 2014 Feb;46:182-7; Yamamoto GL et al. J Med Genet. 2015 Jun;52:413-21; Johnston JJ et al. Genet Med. 2018 10;20:1175-1185). Based on the supporting evidence, this variant is pathogenic for an increased risk of LZTR1-related schwannomatosis (SWN) and would be expected to cause autosomal recessive Noonan syndrome when present along with a second pathogenic or likely pathogenic variant on the other allele; however, the association of this alteration with autosomal dominant Noonan syndrome is unlikely.